The following is an entry in ClinVar:

NM_152703.5(SAMD9L):c.305A>G (p.Lys102Arg)

Gene: SAMD9L (sterile alpha motif domain containing 9 like; minus strand). Cytogenetic location: 7q21.2.
Variant type: single nucleotide variant.
Coding change: c.305A>G on transcript NM_152703.5 (MANE Select); coding-DNA position 305, A replaced by G.
Protein change: p.Lys102Arg; replaces lysine 102 with arginine.
Molecular consequence: missense variant.
Genome position (GRCh38, 1-based): chr7:93,135,667, T>C on the plus strand (A>G on the coding strand, the complement: SAMD9L is on the minus strand). VCF-style: chr7-93135667-T-C. GRCh37 (hg19) VCF-style: chr7-92764980-T-C.
Other names: c.305A>G, p.Lys102Arg (NM_001303496.3, NM_001303497.3, NM_001303498.3 and 5 more transcripts); short protein forms K102R.
Identifiers: ClinVar variation 2779372 (VCV002779372.3), dbSNP rs771682851, ClinGen allele CA4343892.

ClinVar aggregate classification (germline): Uncertain significance (1 of 4 stars; one submission).

Allele frequency attached by ClinVar (database versions not stated): ExAC 0.00001; gnomAD exomes 0.00001.

Submission:

Labcorp Genetics (formerly Invitae), Labcorp
Classification: Uncertain significance. Last evaluated: 2025-10-20. Review status: criteria provided, single submitter. Criteria: Invitae Variant Classification Sherloc (09022015). Collection method: clinical testing. Allele origin: germline.
Comment: This sequence change replaces lysine, which is basic and polar, with arginine, which is basic and polar, at codon 102 of the SAMD9L protein (p.Lys102Arg). This variant is present in population databases (rs771682851, gnomAD 0.003%). This variant has not been reported in the literature in individuals affected with SAMD9L-related conditions. ClinVar contains an entry for this variant (Variation ID: 2779372). An algorithm developed to predict the effect of missense changes on protein structure and function outputs the following: PolyPhen-2: "Possibly Damaging". The arginine amino acid residue is found in multiple mammalian species, which suggests that this missense change does not adversely affect protein function. In summary, the available evidence is currently insufficient to determine the role of this variant in disease. Therefore, it has been classified as a Variant of Uncertain Significance.